The following is an entry in ClinVar:

NM_003482.4(KMT2D):c.11461C>T (p.Gln3821Ter)

Gene: KMT2D (lysine methyltransferase 2D; minus strand). Cytogenetic location: 12q13.12.
Variant type: single nucleotide variant.
Coding change: c.11461C>T on transcript NM_003482.4 (MANE Select); coding-DNA position 11461, C replaced by T.
Protein change: p.Gln3821Ter; replaces glutamine 3821 with a stop codon.
Molecular consequence: nonsense.
Genome position (GRCh38, 1-based): chr12:49,033,244, G>A on the plus strand (C>T on the coding strand, the complement: KMT2D is on the minus strand). VCF-style: chr12-49033244-G-A. GRCh37 (hg19) VCF-style: chr12-49427027-G-A.
Other names: short protein forms Q3821*.
Identifiers: ClinVar variation 1184993 (VCV001184993.3), dbSNP rs2120441127, ClinGen allele CA384718565.

ClinVar aggregate classification (germline): Pathogenic (1 of 4 stars; one submission).

Conditions:
Kabuki syndrome 1 (KABUK1). Also called: KMT2D-Related Kabuki Syndrome. Identifiers: Orphanet 2322, MedGen CN030661, MONDO:0007843, OMIM 147920.

Submission:

Institute of Human Genetics, University of Goettingen
Classification: Pathogenic for Kabuki syndrome 1. Last evaluated: 2021-01-27. Review status: criteria provided, single submitter. Criteria: ACMG Guidelines, 2015. Collection method: clinical testing. Allele origin: de novo. Inheritance: Autosomal dominant inheritance. Affected: yes. Observed: 1 variant allele, 1 heterozygote.
Comment: The variant c.11461C>T (p.(Gln3821*)) in exon 39 of the KMT2D-gene is not found in the gnomAD database. This variant has a pathogenic computational verdict based on 5 pathogenic predictions from BayesDel_addAF, DANN, EIGEN, FATHMM-MKL and MutationTaster vs no benign predictions. Thus, we classify this variant as a pathogenic mutation. ACMG criteria used for classification: PVS1, PS2, PM2, PP3